The following is an entry in ClinVar:

ClinVar aggregate classification (germline): Uncertain significance (1 of 4 stars; one submission).

Allele frequency attached by ClinVar (database versions not stated): gnomAD exomes below 0.00001.
gnomAD v4.1: 2 of 1,613,894 alleles (0.00012%); highest among the groups gnomAD compares: Non-Finnish European, 0.00017%; no homozygotes.

Submission:

Ambry Genetics
Classification: Uncertain significance. Last evaluated: 2023-05-18. Review status: criteria provided, single submitter. Criteria: Ambry Variant Classification Scheme 2023. Collection method: clinical testing. Allele origin: germline.
Comment: The p.G665D variant (also known as c.1994G>A), located in coding exon 13 of the MYOM1 gene, results from a G to A substitution at nucleotide position 1994. The glycine at codon 665 is replaced by aspartic acid, an amino acid with similar properties. This amino acid position is conserved. In addition, this alteration is predicted to be deleterious by in silico analysis. Since supporting evidence is limited at this time, the clinical significance of this alteration remains unclear.

NM_003803.4(MYOM1):c.1994G>A (p.Gly665Asp)

Gene: MYOM1 (myomesin 1; minus strand). Cytogenetic location: 18p11.31.
Variant type: single nucleotide variant.
Coding change: c.1994G>A on transcript NM_003803.4 (MANE Select); coding-DNA position 1994, G replaced by A.
Protein change: p.Gly665Asp; replaces glycine 665 with aspartic acid.
Molecular consequence: missense variant.
Genome position (GRCh38, 1-based): chr18:3,141,970, C>T on the plus strand (G>A on the coding strand, the complement: MYOM1 is on the minus strand). VCF-style: chr18-3141970-C-T. GRCh37 (hg19) VCF-style: chr18-3141968-C-T.
Other names: c.1994G>A, p.Gly665Asp (NM_019856.2); short protein forms G665D.
Identifiers: ClinVar variation 2562745 (VCV002562745.2), dbSNP rs2080056484, ClinGen allele CA401713645.
Genomic context (GRCh38, chr18:3,141,970, plus strand): 5'-ATGAGGTCATGTTGATTCTAGAGTCTTACCTTTTCCACAAAGTACATAATGCCCTCATGA[C>T]CACGCTGGCCAGGGGGCTTCCAGCTGAGCACCACATAGCTCCGGGTGGCCTCAGTGACAG-3'
Protein context (NP_003794.3, residues 655-675): VLSWKPPGQR[Gly665Asp]HEGIMYFVEK